The following is an entry in ClinVar:

ClinVar aggregate classification (germline): Uncertain significance (1 of 4 stars; one submission).

gnomAD v4.1: 23 of 1,612,698 alleles (0.0014%); highest among the groups gnomAD compares: Non-Finnish European, 0.0017%; no homozygotes.

Submission:

Labcorp Genetics (formerly Invitae), Labcorp
Classification: Uncertain significance. Last evaluated: 2024-05-09. Review status: criteria provided, single submitter. Criteria: Invitae Variant Classification Sherloc (09022015). Collection method: clinical testing. Allele origin: germline.
Comment: This sequence change replaces aspartic acid, which is acidic and polar, with asparagine, which is neutral and polar, at codon 760 of the DSCAML1 protein (p.Asp760Asn). This variant is present in population databases (no rsID available, gnomAD 0.003%). This variant has not been reported in the literature in individuals affected with DSCAML1-related conditions. An algorithm developed to predict the effect of missense changes on protein structure and function (PolyPhen-2) suggests that this variant is likely to be disruptive. In summary, the available evidence is currently insufficient to determine the role of this variant in disease. Therefore, it has been classified as a Variant of Uncertain Significance.

NM_020693.4(DSCAML1):c.2098G>A (p.Asp700Asn)

Gene: DSCAML1 (DS cell adhesion molecule like 1; minus strand). Cytogenetic location: 11q23.3.
Variant type: single nucleotide variant.
Coding change: c.2098G>A on transcript NM_020693.4 (MANE Select); coding-DNA position 2098, G replaced by A.
Protein change: p.Asp700Asn; replaces aspartic acid 700 with asparagine.
Molecular consequence: missense variant.
Genome position (GRCh38, 1-based): chr11:117,505,008, C>T on the plus strand (G>A on the coding strand, the complement: DSCAML1 is on the minus strand). VCF-style: chr11-117505008-C-T. GRCh37 (hg19) VCF-style: chr11-117375723-C-T.
Other names: c.2098G>A, p.Asp700Asn (NM_001367904.1); short protein forms D700N.
Identifiers: ClinVar variation 3706894 (VCV003706894.2).